The following is an entry in ClinVar:

ClinVar aggregate classification (germline): Uncertain significance. Review status: criteria provided, multiple submitters, no conflicts (2 of 4 stars). 3 submissions from 3 submitters: Uncertain significance (3). Last evaluated 2026-03-03.

Conditions:
Inborn genetic diseases. Identifiers: MedGen C0950123, MeSH D030342.
Neuropathy, hereditary sensory, type 1F. Also called: HSN IF; Hereditary sensory neuropathy type IF. Identifiers: Orphanet 36386, MedGen C3810194, MONDO:0014286, OMIM 615632.
ATL3-related disorder. Also called: ATL3-related condition.

Allele frequency attached by ClinVar (database versions not stated): gnomAD 0.00003 and 0.00004; gnomAD exomes 0.00003; TOPMed 0.00003; ExAC 0.00005.
gnomAD v4.1: 55 of 1,605,730 alleles (0.0034%); highest among the groups gnomAD compares: Middle Eastern, 0.051%; no homozygotes.

Submissions (3):

PreventionGenetics, part of Exact Sciences
Classification: Uncertain significance for ATL3-related condition. Last evaluated: 2026-03-03. Review status: criteria provided, single submitter. Criteria: ACMG Guidelines, 2015. Collection method: clinical testing. Allele origin: germline.
Comment: The ATL3 c.712G>A variant is predicted to result in the amino acid substitution p.Val238Met. To our knowledge, this variant has not been reported in the literature. This variant is reported in 0.0070% of alleles in individuals of South Asian descent in gnomAD. At this time, the clinical significance of this variant is uncertain due to the absence of conclusive functional and genetic evidence.

Labcorp Genetics (formerly Invitae), Labcorp
Classification: Uncertain significance for Neuropathy, hereditary sensory, type 1F. Last evaluated: 2025-11-23. Review status: criteria provided, single submitter. Criteria: Invitae Variant Classification Sherloc (09022015). Collection method: clinical testing. Allele origin: germline.
Comment: This sequence change replaces valine, which is neutral and non-polar, with methionine, which is neutral and non-polar, at codon 238 of the ATL3 protein (p.Val238Met). This variant is present in population databases (rs745535328, gnomAD 0.007%). This variant has not been reported in the literature in individuals affected with ATL3-related conditions. ClinVar contains an entry for this variant (Variation ID: 541681). An algorithm developed to predict the effect of missense changes on protein structure and function (PolyPhen-2) suggests that this variant is likely to be disruptive. In summary, the available evidence is currently insufficient to determine the role of this variant in disease. Therefore, it has been classified as a Variant of Uncertain Significance.

Ambry Genetics
Classification: Uncertain significance for Inborn genetic diseases. Last evaluated: 2025-01-19. Review status: criteria provided, single submitter. Criteria: Ambry Variant Classification Scheme 2023. Collection method: clinical testing. Allele origin: germline.

NM_015459.5(ATL3):c.712G>A (p.Val238Met)

Genes: ATL3 (atlastin GTPase 3; minus strand), LNCROPM (lncRNA regulator of PLAAT3 mediated phospholipid metabolism; plus strand). Cytogenetic location: 11q13.1.
Variant type: single nucleotide variant.
Coding change: c.712G>A on transcript NM_015459.5 (MANE Select); coding-DNA position 712, G replaced by A.
Protein change: p.Val238Met; replaces valine 238 with methionine.
Molecular consequence: missense variant.
Genome position (GRCh38, 1-based): chr11:63,643,495, C>T on the plus strand (G>A on the coding strand, the complement: ATL3 is on the minus strand). VCF-style: chr11-63643495-C-T. GRCh37 (hg19) VCF-style: chr11-63410967-C-T.
Other names: c.658G>A, p.Val220Met (NM_001290048.2); short protein forms V238M, V220M.
Identifiers: ClinVar variation 541681 (VCV000541681.14), dbSNP rs745535328, ClinGen allele CA6063702.
Genomic context (GRCh38, chr11:63,643,495, plus strand): 5'-AGAAACATGAGTGAATGTGATTTCGAACATTCTGAATTTCTTCATGTTGATGTTCCTTCA[C>T]CTGCCAATGAAGACCAAGAATTTACCAACCAAAAGTCATTTGGTTTTCTTCACTAGGGAC-3'
Protein context (NP_056274.3, residues 228-248): GMAFLDKRLQ[Val238Met]KEHQHEEIQN